The following is an entry in ClinVar:

NM_004991.4(MECOM):c.2092C>A (p.Pro698Thr)

Gene: MECOM (MDS1 and EVI1 complex locus; minus strand). Cytogenetic location: 3q26.2.
Variant type: single nucleotide variant.
Coding change: c.2092C>A on transcript NM_004991.4 (MANE Select); coding-DNA position 2092, C replaced by A.
Protein change: p.Pro698Thr; replaces proline 698 with threonine.
Molecular consequence: missense variant. On other transcripts: intron variant (2).
Genome position (GRCh38, 1-based): chr3:169,115,780, G>T on the plus strand (C>A on the coding strand, the complement: MECOM is on the minus strand). VCF-style: chr3-169115780-G-T. GRCh37 (hg19) VCF-style: chr3-168833568-G-T.
Other names: c.1723C>A, p.Pro575Thr (NM_001105077.4); c.1528C>A, p.Pro510Thr (NM_001105078.4, NM_001164000.2, NM_001205194.2 and 4 more transcripts); c.1531C>A, p.Pro511Thr (NM_001163999.2, NM_001366467.2, NM_001366468.2 and 1 more transcripts); c.2092C>A, p.Pro698Thr (NM_001366466.2); c.1133-13C>A (NM_001366473.2); c.569-13C>A (NM_001366474.2); short protein forms P575T, P511T, P698T, P510T.
Identifiers: ClinVar variation 3871721 (VCV003871721.1).

ClinVar aggregate classification (germline): Uncertain significance (1 of 4 stars; one submission).

Conditions:
Inborn genetic diseases. Identifiers: MedGen C0950123, MeSH D030342.

gnomAD v4.1: 4 of 1,614,144 alleles (0.00025%); highest among the groups gnomAD compares: Non-Finnish European, 0.00034%; no homozygotes.

Submission:

Ambry Genetics
Classification: Uncertain significance for Inborn genetic diseases. Last evaluated: 2025-01-17. Review status: criteria provided, single submitter. Criteria: Ambry Variant Classification Scheme 2023. Collection method: clinical testing. Allele origin: germline.
Comment: The p.P698T variant (also known as c.2092C>A), located in coding exon 8 of the MECOM gene, results from a C to A substitution at nucleotide position 2092. The proline at codon 698 is replaced by threonine, an amino acid with highly similar properties. This amino acid position is conserved. In addition, this alteration is predicted to be tolerated by in silico analysis. Based on the available evidence, the clinical significance of this variant remains unclear.